The following is an entry in ClinVar:

ClinVar aggregate classification (germline): Uncertain significance. Review status: criteria provided, multiple submitters, no conflicts (2 of 4 stars). 2 submissions from 2 submitters: Uncertain significance (2). Last evaluated 2024-06-26.

Conditions:
FOXP4-related disorder. Also called: FOXP4-related condition.

Allele frequency attached by ClinVar (database versions not stated): gnomAD exomes below 0.00001; gnomAD 0.00001; TOPMed 0.00001.
gnomAD v4.1: 10 of 1,610,992 alleles (0.00062%); highest among the groups gnomAD compares: African/African-American, 0.011%; no homozygotes.

Submissions (2):

Ambry Genetics
Classification: Uncertain significance. Last evaluated: 2024-06-26. Review status: criteria provided, single submitter. Criteria: Ambry Variant Classification Scheme 2023. Collection method: clinical testing. Allele origin: germline.

PreventionGenetics, part of Exact Sciences
Classification: Uncertain significance for FOXP4-related condition. Last evaluated: 2022-11-22. Review status: criteria provided, single submitter. Criteria: ACMG Guidelines, 2015. Collection method: clinical testing. Allele origin: germline.
Comment: The FOXP4 c.1143C>A variant is predicted to result in the amino acid substitution p.Ser381Arg. To our knowledge, this variant has not been reported in the literature. This variant is reported in 0.012% of alleles in individuals of African descent in gnomAD. At this time, the clinical significance of this variant is uncertain due to the absence of conclusive functional and genetic evidence.

NM_001012426.2(FOXP4):c.1143C>A (p.Ser381Arg)

Gene: FOXP4 (forkhead box P4; plus strand). Cytogenetic location: 6p21.1.
Variant type: single nucleotide variant.
Coding change: c.1143C>A on transcript NM_001012426.2 (MANE Select); coding-DNA position 1143, C replaced by A.
Protein change: p.Ser381Arg; replaces serine 381 with arginine.
Molecular consequence: missense variant.
Genome position (GRCh38, 1-based): chr6:41,589,848, C>A. VCF-style: chr6-41589848-C-A. GRCh37 (hg19) VCF-style: chr6-41557586-C-A.
Other names: c.1137C>A, p.Ser379Arg (NM_001012427.2); c.1143C>A, p.Ser381Arg (NM_001405824.1); c.1047C>A, p.Ser349Arg (NM_001405825.1, NM_001405826.1); c.1140C>A, p.Ser380Arg (NM_138457.3); short protein forms S349R, S379R, S380R, S381R.
Identifiers: ClinVar variation 2632038 (VCV002632038.2), dbSNP rs1380556802, ClinGen allele CA364069011.
Genomic context (GRCh38, chr6:41,589,848, plus strand): 5'-GCGGCTGCAGGCCATGATGGCCCACCTGCACATGCGGCCCTCGGAGCCCAAGCCCTTCAG[C>A]CAGCCAGTGAGTGCTGCTCCCCTCCCCGCCCCTCCCAGAGCCTTCCACAGACCCTGGAGC-3'
Protein context (NP_001012426.1, residues 371-391): HMRPSEPKPF[Ser381Arg]QPLNPVPGSS